The following is an entry in ClinVar:

ClinVar aggregate classification (germline): Pathogenic (1 of 4 stars; one submission).

Conditions:
Glycogen storage disease, type I. Identifiers: Orphanet 364, MedGen C0017920, MONDO:0002413.

Submission:

Myriad Genetics, Inc.
Classification: Pathogenic for Glycogen storage disease, type I. Last evaluated: 2025-05-12. Review status: criteria provided, single submitter. Criteria: Myriad Autosomal Dominant, Autosomal Recessive and X-Linked Classification Criteria (2023). Collection method: clinical testing. Allele origin: unknown.
Comment: NM_001164277.1(SLC37A4):c.1225delG(A409Lfs*75) is a frameshift variant that results in protein elongation classified as pathogenic in the context of glycogen storage disease type Ib. A409Lfs*75 has not been observed in cases with relevant disease. Relevant functional assessments of this variant are not available in the literature. A409Lfs*75 has not been observed in referenced population frequency databases. In summary, NM_001164277.1(SLC37A4):c.1225delG(A409Lfs*75) is a frameshift variant that results in protein elongation in a gene where loss of function is a known mechanism of disease and is predicted to disrupt protein function. Please note: this variant was assessed in the context of healthy population screening.

NM_001164277.2(SLC37A4):c.1225del (p.Ala409fs)

Gene: SLC37A4 (solute carrier family 37 member 4; minus strand). Cytogenetic location: 11q23.3.
Variant type: Deletion.
Coding change: c.1225del on transcript NM_001164277.2 (MANE Select); coding-DNA position 1225, one base deleted (G; older notation c.1225delG).
Protein change: p.Ala409fs; shifts the reading frame from alanine 409.
Molecular consequence: frameshift variant.
Genome position (GRCh38, 1-based): chr11:119,024,975, C deleted on the plus strand (G on the coding strand, the reverse complement: SLC37A4 is on the minus strand); the first of 2 consecutive C bases (chr11:119,024,975-119,024,976); deleting either gives the same sequence. VCF-style (leftmost placement, unchanged base first): chr11-119024974-GC-G. GRCh37 (hg19) VCF-style: chr11-118895684-GC-G.
Other names: c.1291del, p.Ala431fs (NM_001164278.2); c.1006del, p.Ala336fs (NM_001164279.2); c.1225del, p.Ala409fs (NM_001164280.2, NM_001467.6); short protein forms A336fs, A409fs, A431fs.
Identifiers: ClinVar variation 4081801 (VCV004081801.1).